The following is an entry in ClinVar:

NM_002471.4(MYH6):c.3787G>A (p.Val1263Met)

Gene: MYH6 (myosin heavy chain 6; minus strand). Cytogenetic location: 14q11.2.
Variant type: single nucleotide variant.
Coding change: c.3787G>A on transcript NM_002471.4 (MANE Select); coding-DNA position 3787, G replaced by A.
Protein change: p.Val1263Met; replaces valine 1263 with methionine.
Molecular consequence: missense variant.
Genome position (GRCh38, 1-based): chr14:23,389,665, C>T on the plus strand (G>A on the coding strand, the complement: MYH6 is on the minus strand). VCF-style: chr14-23389665-C-T. GRCh37 (hg19) VCF-style: chr14-23858874-C-T.
Other names: short protein forms V1263M.
Identifiers: ClinVar variation 227590 (VCV000227590.16), dbSNP rs375819633, ClinGen allele CA7115072.

ClinVar aggregate classification (germline): Conflicting classifications of pathogenicity. Review status: criteria provided, conflicting classifications (1 of 4 stars). 6 submissions from 6 submitters: Uncertain significance (3); Likely benign (3). Last evaluated 2026-08-05.

Conditions:
MYH6-related disorder. Also called: MYH6-Related Disorders; MYH6-related condition.
Cardiovascular phenotype. Identifiers: MedGen CN230736.
Hypertrophic cardiomyopathy 14. Identifiers: MedGen C2750467, MONDO:0013197, OMIM 613251.

Allele frequency attached by ClinVar (database versions not stated): gnomAD 0.00006; TOPMed 0.00007; ESP Exome Variant Server 0.00008.
gnomAD v4.1: 30 of 1,614,040 alleles (0.0019%); highest among the groups gnomAD compares: African/African-American, 0.02%; no homozygotes.

Submissions (6):

PreventionGenetics, part of Exact Sciences
Classification: Uncertain significance for MYH6-related condition. Last evaluated: 2026-08-05. Review status: criteria provided, single submitter. Criteria: ACMG Guidelines, 2015. Collection method: clinical testing. Allele origin: germline.
Comment: The MYH6 c.3787G>A variant is predicted to result in the amino acid substitution p.Val1263Met. To our knowledge, this variant has not been reported in the literature. This variant is reported in 0.016% of alleles in individuals of African descent in gnomAD. Although we suspect that this variant may be benign, at this time, the clinical significance of this variant is uncertain due to the absence of conclusive functional and genetic evidence.

Labcorp Genetics (formerly Invitae), Labcorp
Classification: Uncertain significance for Hypertrophic cardiomyopathy 14. Last evaluated: 2025-12-15. Review status: criteria provided, single submitter. Criteria: Invitae Variant Classification Sherloc (09022015). Collection method: clinical testing. Allele origin: germline.
Comment: This sequence change replaces valine, which is neutral and non-polar, with methionine, which is neutral and non-polar, at codon 1263 of the MYH6 protein (p.Val1263Met). This variant is present in population databases (rs375819633, gnomAD 0.02%). This variant has not been reported in the literature in individuals affected with MYH6-related conditions. ClinVar contains an entry for this variant (Variation ID: 227590). Invitae Evidence Modeling of protein sequence and biophysical properties (such as structural, functional, and spatial information, amino acid conservation, physicochemical variation, residue mobility, and thermodynamic stability) indicates that this missense variant is not expected to disrupt MYH6 protein function with a negative predictive value of 80%. In summary, the available evidence is currently insufficient to determine the role of this variant in disease. Therefore, it has been classified as a Variant of Uncertain Significance.

GeneDx
Classification: Uncertain significance. Last evaluated: 2025-10-28. Review status: criteria provided, single submitter. Criteria: GeneDx Variant Classification Process June 2021. Collection method: clinical testing. Allele origin: germline.
Comment: In silico analysis indicates that this missense variant does not alter protein structure/function; Has not been previously published as pathogenic or benign to our knowledge

Ambry Genetics
Classification: Likely benign for Cardiovascular phenotype. Last evaluated: 2024-06-11. Review status: criteria provided, single submitter. Criteria: Ambry Variant Classification Scheme 2023. Collection method: clinical testing. Allele origin: germline.

Blueprint Genetics
Classification: Likely benign. Last evaluated: 2021-04-12. Review status: criteria provided, single submitter. Criteria: ACMG Guidelines, 2015. Collection method: clinical testing. Allele origin: germline.

Laboratory for Molecular Medicine, Mass General Brigham Personalized Medicine
Classification: Likely benign. Last evaluated: 2015-01-28. Review status: criteria provided, single submitter. Criteria: LMM Criteria. Collection method: clinical testing. Allele origin: germline. Observed: 1 variant allele.
Comment: p.Val1263Met in exon 27 of MYH6: This variant is not expected to have clinical s ignificance due to a lack of conservation across species, including mammals. Of note, >10 mammals have a methionine (Met) at this position despite high nearby a mino acid conservation. In addition, this variant has been identified in 3/10579 African chromosomes by the Exome Aggregation Consortium (ExAC; dbSNP rs375819633).